The following is an entry in ClinVar:

NM_021625.5(TRPV4):c.1825-15C>G

Gene: TRPV4 (transient receptor potential cation channel subfamily V member 4; minus strand). Cytogenetic location: 12q24.11.
Variant type: single nucleotide variant.
Coding change: c.1825-15C>G on transcript NM_021625.5 (MANE Select); 15 bases into the intron before coding-DNA position 1825, C replaced by G.
Molecular consequence: intron variant.
Genome position (GRCh38, 1-based): chr12:109,792,444, G>C on the plus strand (C>G on the coding strand, the complement: TRPV4 is on the minus strand). VCF-style: chr12-109792444-G-C. GRCh37 (hg19) VCF-style: chr12-110230249-G-C.
Other names: c.1504-15C>G (NM_001177433.1); c.1684-15C>G (NM_001177428.1); c.1645-15C>G (NM_147204.2); c.1723-15C>G (NM_001177431.1).
Identifiers: ClinVar variation 307126 (VCV000307126.21), dbSNP rs200602134, ClinGen allele CA6780084.

ClinVar aggregate classification (germline): Conflicting classifications of pathogenicity. Review status: criteria provided, conflicting classifications (1 of 4 stars). 12 submissions from 7 submitters: Uncertain significance (2); Benign (6); Likely benign (4). Last evaluated 2026-04-07.

Conditions:
Charcot-Marie-Tooth disease. Also called: Charcot-Marie-Tooth Hereditary Neuropathy; Charcot-Marie-Tooth Neuropathy. Identifiers: Orphanet 166, MedGen C0007959, MONDO:0015626.
Scapuloperoneal spinal muscular atrophy (SPSMA). Also called: Scapuloperoneal Spinal Muscular Atrophy, TRPV4-Related; AMYOTROPHY, NEUROGENIC SCAPULOPERONEAL, NEW ENGLAND TYPE; Scapuloperoneal Form of Spinal Muscular Atrophy; Scapuloperoneal spinal muscular atrophy, autosomal dominant. Identifiers: Orphanet 431255, MedGen C0751335, MONDO:0008408, OMIM 181405.
Neuronopathy, distal hereditary motor, autosomal dominant 8. Also called: SPINAL MUSCULAR ATROPHY, CONGENITAL BENIGN, WITH CONTRACTURES; NEURONOPATHY, DISTAL HEREDITARY MOTOR, TYPE VIII; NEUROPATHY, DISTAL HEREDITARY MOTOR, TYPE VIII; Autosomal dominant congenital benign spinal muscular atrophy. Identifiers: Orphanet 1216, MedGen C1838492, MONDO:0010839, OMIM 600175.
Spondylometaphyseal dysplasia, Kozlowski type (SMDK). Also called: Spondylometaphyseal Dysplasia, TRPV4-Related (Kozlowski Type); Dysmorphism arthrogryposis skeletal maturation advanced; Jequier-Kozlowski syndrome; Skeletal dysplasia Jequier-Kozlowski type; SMD Kozlowski type. Identifiers: Orphanet 93314, MedGen C0265280, MONDO:0008477, OMIM 184252.
Charcot-Marie-Tooth disease axonal type 2C (HMSN2C). Also called: Charcot-Marie-Tooth Disease Type 2, TRPV4-Related (CMT2C); CHARCOT-MARIE-TOOTH DISEASE, AXONAL, AUTOSOMAL DOMINANT, TYPE 2C; Charcot-Marie-Tooth Neuropathy Type 2C. Identifiers: Orphanet 99937, MedGen C1853710, MONDO:0011633, OMIM 606071.
Brachyrachia (short spine dysplasia) (BCYM3). Also called: Brachyolmia, TRPV4-Related; Brachyolmia Type 3; BRACHYRACHIA; Autosomal dominant brachyolmia. Identifiers: Orphanet 93304, MedGen C0432227, MONDO:0007232, OMIM 113500.
Metatropic dysplasia (MTD). Also called: Metatropic Dysplasia, TRPV4-Related; Metatropic dysplasia, nonlethal dominant; METATROPIC DWARFISM. Identifiers: Orphanet 2635, MedGen C0265281, MONDO:0007986, OMIM 156530.

Allele frequency attached by ClinVar (database versions not stated): TOPMed 0.00031.
gnomAD v4.1: 505 of 1,613,404 alleles (0.031%); highest among the groups gnomAD compares: Admixed American, 0.053%; no homozygotes.

Submissions (12):

Women's Health and Genetics/Laboratory Corporation of America, LabCorp
Classification: Benign. Last evaluated: 2026-04-07. Review status: criteria provided, single submitter. Criteria: LabCorp Variant Classification Summary - May 2015. Collection method: clinical testing. Allele origin: germline.

Labcorp Genetics (formerly Invitae), Labcorp
Classification: Likely benign for Charcot-Marie-Tooth disease axonal type 2C. Last evaluated: 2025-12-11. Review status: criteria provided, single submitter. Criteria: Invitae Variant Classification Sherloc (09022015). Collection method: clinical testing. Allele origin: germline.

Blueprint Genetics
Classification: Likely benign. Last evaluated: 2024-09-12. Review status: criteria provided, single submitter. Criteria: ACMG Guidelines, 2015. Collection method: clinical testing. Allele origin: germline.

ARUP Laboratories, Molecular Genetics and Genomics, ARUP Laboratories
Classification: Uncertain significance. Last evaluated: 2021-02-24. Review status: criteria provided, single submitter. Criteria: ARUP Molecular Germline Variant Investigation Process 2021. Collection method: clinical testing. Allele origin: germline.
Comment: The TRPV4 c.1825-15C>G variant (rs200602134), to our knowledge, is not reported in the medical literature. The variant is reported in the ClinVar database (Variation ID: 307126) and is listed in the general population with an overall allele frequency of 0.02% (54/282,662 alleles) in the Genome Aggregation Database. This is an intronic variant in a weakly conserved nucleotide, and computational analyses (Alamut v.2.11) predict that this variant may impact splicing by slightly weakening the nearby canonical acceptor splice site. However, most pathogenic variants in TRPV4 are missense variants or in-frame deletion variants (Nilius 2013). Due to limited information, the clinical significance of the c.1825-15C>G variant is uncertain at this time. References: Nilius B and Voets T. The puzzle of TRPV4 channelopathies. EMBO Rep. 2013 Feb;14(2):152-63.

Illumina Laboratory Services, Illumina
Classification: Benign for Scapuloperoneal spinal muscular atrophy. Last evaluated: 2018-01-12. Review status: criteria provided, single submitter. Criteria: ICSL Variant Classification Criteria 13 December 2019. Collection method: clinical testing. Allele origin: germline.
Comment: This variant was observed in the ICSL laboratory as part of a predisposition screen in an ostensibly healthy population. It had not been previously curated by ICSL or reported in the Human Gene Mutation Database (HGMD: prior to June 1st, 2018), and was therefore a candidate for classification through an automated scoring system. Utilizing variant allele frequency, disease prevalence and penetrance estimates, and inheritance mode, an automated score was calculated to assess if this variant is too frequent to cause the disease. Based on the score and internal cut-off values, a variant classified as benign is not then subjected to further curation. The score for this variant resulted in a classification of benign for this disease.

Illumina Laboratory Services, Illumina
Classification: Benign for Brachyrachia (short spine dysplasia). Last evaluated: 2018-01-12. Review status: criteria provided, single submitter. Criteria: ICSL Variant Classification Criteria 13 December 2019. Collection method: clinical testing. Allele origin: germline.
Comment: the same text as in the submission from Illumina Laboratory Services, Illumina above.

Illumina Laboratory Services, Illumina
Classification: Benign for Metatropic dysplasia. Last evaluated: 2018-01-12. Review status: criteria provided, single submitter. Criteria: ICSL Variant Classification Criteria 13 December 2019. Collection method: clinical testing. Allele origin: germline.
Comment: the same text as in the submission from Illumina Laboratory Services, Illumina above.

Illumina Laboratory Services, Illumina
Classification: Benign for Neuronopathy, distal hereditary motor, autosomal dominant 8. Last evaluated: 2018-01-12. Review status: criteria provided, single submitter. Criteria: ICSL Variant Classification Criteria 13 December 2019. Collection method: clinical testing. Allele origin: germline.
Comment: the same text as in the submission from Illumina Laboratory Services, Illumina above.

Illumina Laboratory Services, Illumina
Classification: Benign for Spondylometaphyseal dysplasia, Kozlowski type. Last evaluated: 2018-01-12. Review status: criteria provided, single submitter. Criteria: ICSL Variant Classification Criteria 13 December 2019. Collection method: clinical testing. Allele origin: germline.
Comment: the same text as in the submission from Illumina Laboratory Services, Illumina above.

Illumina Laboratory Services, Illumina
Classification: Uncertain significance for Charcot-Marie-Tooth disease axonal type 2C. Last evaluated: 2018-01-12. Review status: criteria provided, single submitter. Criteria: ICSL Variant Classification Criteria 13 December 2019. Collection method: clinical testing. Allele origin: germline.

GeneDx
Classification: Likely benign. Last evaluated: 2016-02-26. Review status: criteria provided, single submitter. Criteria: GeneDx Variant Classification (06012015). Collection method: clinical testing. Allele origin: germline. Affected: yes.
Comment: This variant is considered likely benign or benign based on one or more of the following criteria: it is a conservative change, it occurs at a poorly conserved position in the protein, it is predicted to be benign by multiple in silico algorithms, and/or has population frequency not consistent with disease.

Molecular Genetics Laboratory, London Health Sciences Centre
Classification: Likely benign for Charcot-Marie-Tooth disease. Review status: criteria provided, single submitter. Criteria: ACMG Guidelines, 2015. Collection method: clinical testing. Allele origin: germline. Affected: yes.